The following is an entry in ClinVar:

ClinVar aggregate classification (germline): Uncertain significance (1 of 4 stars; one submission).

Submission:

Labcorp Genetics (formerly Invitae), Labcorp
Classification: Uncertain significance. Last evaluated: 2022-03-27. Review status: criteria provided, single submitter. Criteria: Invitae Variant Classification Sherloc (09022015). Collection method: clinical testing. Allele origin: germline.
Comment: In summary, the available evidence is currently insufficient to determine the role of this variant in disease. Therefore, it has been classified as a Variant of Uncertain Significance. Algorithms developed to predict the effect of missense changes on protein structure and function are either unavailable or do not agree on the potential impact of this missense change (SIFT: "Tolerated"; PolyPhen-2: "Probably Damaging"; Align-GVGD: "Class C0"). This variant has not been reported in the literature in individuals affected with LAMA5-related conditions. This variant is not present in population databases (gnomAD no frequency). This sequence change replaces glycine, which is neutral and non-polar, with arginine, which is basic and polar, at codon 786 of the LAMA5 protein (p.Gly786Arg).

NM_005560.6(LAMA5):c.2356G>A (p.Gly786Arg)

Gene: LAMA5 (laminin subunit alpha 5; minus strand). Cytogenetic location: 20q13.33.
Variant type: single nucleotide variant.
Coding change: c.2356G>A on transcript NM_005560.6 (MANE Select); coding-DNA position 2356, G replaced by A.
Protein change: p.Gly786Arg; replaces glycine 786 with arginine.
Molecular consequence: missense variant.
Genome position (GRCh38, 1-based): chr20:62,335,237, C>T on the plus strand (G>A on the coding strand, the complement: LAMA5 is on the minus strand). VCF-style: chr20-62335237-C-T. GRCh37 (hg19) VCF-style: chr20-60910293-C-T.
Other names: short protein forms G786R.
Identifiers: ClinVar variation 1924497 (VCV001924497.5), dbSNP rs2516135443, ClinGen allele CA409570360.
Genomic context (GRCh38, chr20:62,335,237, plus strand): 5'-TGTGCCCCCAAATCCCCCACACCTTGGTCCTCAGACTCACCGGCTGGCACTCAGCAACTC[C>T]ACCCAGTGTGCCCCTGAGGTCGCAGCTGCAGCCTGGGGAGAGCAGGGCAGGACTCAGATG-3'
Protein context (NP_005551.3, residues 776-796): CSCDLRGTLG[Gly786Arg]VAECQPGTGQ